The following is an entry in ClinVar:

ClinVar aggregate classification (germline): Uncertain significance (1 of 4 stars; one submission).

Submission:

Labcorp Genetics (formerly Invitae), Labcorp
Classification: Uncertain significance. Last evaluated: 2024-03-04. Review status: criteria provided, single submitter. Criteria: Invitae Variant Classification Sherloc (09022015). Collection method: clinical testing. Allele origin: germline.
Comment: This sequence change replaces glycine with valine at codon 880 of the COL18A1 protein (p.Gly880Val). There is a moderate physicochemical difference between glycine and valine. This variant is not present in population databases (gnomAD no frequency). This variant has not been reported in the literature in individuals affected with COL18A1-related conditions. ClinVar contains an entry for this variant (Variation ID: 1368334). Experimental studies and prediction algorithms are not available or were not evaluated, and the functional significance of this variant is currently unknown. In summary, the available evidence is currently insufficient to determine the role of this variant in disease. Therefore, it has been classified as a Variant of Uncertain Significance.

NM_001379500.1(COL18A1):c.2639G>T (p.Gly880Val)

Gene: COL18A1 (collagen type XVIII alpha 1 chain; plus strand). Cytogenetic location: 21q22.3.
Variant type: single nucleotide variant.
Coding change: c.2639G>T on transcript NM_001379500.1 (MANE Select); coding-DNA position 2639, G replaced by T.
Protein change: p.Gly880Val; replaces glycine 880 with valine.
Molecular consequence: missense variant.
Genome position (GRCh38, 1-based): chr21:45,497,617, G>T. VCF-style: chr21-45497617-G-T. GRCh37 (hg19) VCF-style: chr21-46917531-G-T.
Other names: c.3179G>T, p.Gly1060Val (NM_030582.4); c.3884G>T, p.Gly1295Val (NM_130444.3); short protein forms G1060V, G1295V, G880V.
Identifiers: ClinVar variation 1368334 (VCV001368334.6), dbSNP rs2146015321, ClinGen allele CA410498170.